The following is an entry in ClinVar:

NM_000535.7(PMS2):c.770T>C (p.Leu257Ser)

Gene: PMS2 (PMS1 homolog 2, mismatch repair system component; minus strand). Cytogenetic location: 7p22.1.
Variant type: single nucleotide variant.
Coding change: c.770T>C on transcript NM_000535.7 (MANE Select); coding-DNA position 770, T replaced by C.
Protein change: p.Leu257Ser; replaces leucine 257 with serine.
Molecular consequence: missense variant. On other transcripts: 5 prime UTR variant (2), non-coding transcript variant (1).
Genome position (GRCh38, 1-based): chr7:5,997,359, A>G on the plus strand (T>C on the coding strand, the complement: PMS2 is on the minus strand). VCF-style: chr7-5997359-A-G. GRCh37 (hg19) VCF-style: chr7-6036990-A-G.
Other names: c.365T>C, p.Leu122Ser (NM_001322003.2, NM_001322004.2, NM_001322005.2 and 2 more transcripts); c.770T>C, p.Leu257Ser (NM_001322006.2, NM_001322014.2); c.452T>C, p.Leu151Ser (NM_001322007.2, NM_001322008.2); c.-164T>C (NM_001322011.2, NM_001322012.2); c.197T>C, p.Leu66Ser (NM_001322013.2); c.461T>C, p.Leu154Ser (NM_001322015.2); short protein forms L257S, L151S, L154S, L66S, L122S.
Identifiers: ClinVar variation 567453 (VCV000567453.9), dbSNP rs1554301463, ClinGen allele CA366743671.

ClinVar aggregate classification (germline): Uncertain significance. Review status: criteria provided, multiple submitters, no conflicts (2 of 4 stars). 2 submissions from 2 submitters: Uncertain significance (2). Last evaluated 2025-12-29.

Conditions:
Hereditary nonpolyposis colorectal neoplasms. Identifiers: MedGen C0009405, MeSH D003123.
Hereditary cancer-predisposing syndrome. Also called: Neoplastic Syndromes, Hereditary; Hereditary neoplastic syndrome; Tumor predisposition; Hereditary Cancer Syndrome. Identifiers: Orphanet 140162, MedGen C0027672, MeSH D009386, MONDO:0015356.

Allele frequency attached by ClinVar (database versions not stated): gnomAD exomes below 0.00001.
gnomAD v4.1: 1 of 1,604,624 alleles (0.000062%); highest among the groups gnomAD compares: Admixed American, 0.0017%; no homozygotes.

Submissions (2):

Ambry Genetics
Classification: Uncertain significance for Hereditary cancer-predisposing syndrome. Last evaluated: 2025-12-29. Review status: criteria provided, single submitter. Criteria: Ambry Variant Classification Scheme 2023. Collection method: clinical testing. Allele origin: germline.
Comment: The p.L257S variant (also known as c.770T>C), located in coding exon 7 of the PMS2 gene, results from a T to C substitution at nucleotide position 770. The leucine at codon 257 is replaced by serine, an amino acid with dissimilar properties. This amino acid position is conserved. In addition, this alteration is predicted to be deleterious by in silico analysis. Based on the available evidence, the clinical significance of this variant remains unclear.

Labcorp Genetics (formerly Invitae), Labcorp
Classification: Uncertain significance for Hereditary nonpolyposis colorectal neoplasms. Last evaluated: 2018-06-19. Review status: criteria provided, single submitter. Criteria: Invitae Variant Classification Sherloc (09022015). Collection method: clinical testing. Allele origin: germline.
Comment: Algorithms developed to predict the effect of missense changes on protein structure and function (SIFT, PolyPhen-2, Align-GVGD) all suggest that this variant is likely to be disruptive, but these predictions have not been confirmed by published functional studies and their clinical significance is uncertain. This variant is not present in population databases (ExAC no frequency). This variant has not been reported in the literature in individuals with PMS2-related disease. In summary, the available evidence is currently insufficient to determine the role of this variant in disease. Therefore, it has been classified as a Variant of Uncertain Significance. This sequence change replaces leucine with serine at codon 257 of the PMS2 protein (p.Leu257Ser). The leucine residue is moderately conserved and there is a large physicochemical difference between leucine and serine.